The following is an entry in ClinVar:

NM_000548.5(TSC2):c.4844_4845dup (p.Gln1616fs)

Gene: TSC2 (TSC complex subunit 2; plus strand). Cytogenetic location: 16p13.3.
Variant type: Duplication.
Coding change: c.4844_4845dup on transcript NM_000548.5 (MANE Select); coding-DNA positions 4844 to 4845, 2 bases duplicated (TG; older notation c.4844_4845dupTG).
Protein change: p.Gln1616fs; shifts the reading frame from glutamine 1616.
Molecular consequence: frameshift variant.
Genome position (GRCh38, 1-based): chr16:2,086,374-2,086,375, TG duplicated. VCF-style (leftmost placement, unchanged base first): chr16-2086373-A-ATG. GRCh37 (hg19) VCF-style: chr16-2136374-A-ATG.
Other names: c.4643_4644dup, p.Gln1549fs (NM_001077183.3); c.4775_4776dup, p.Gln1593fs (NM_001114382.3); c.4535_4536dup, p.Gln1513fs (NM_001318827.2); c.4499_4500dup, p.Gln1501fs (NM_001318829.2); c.4112_4113dup, p.Gln1372fs (NM_001318831.2); c.4676_4677dup, p.Gln1560fs (NM_001318832.2); c.4646_4647dup, p.Gln1550fs (NM_001363528.2); c.4712_4713dup, p.Gln1572fs (NM_001370404.1); and 1 more; short protein forms Q1573fs, Q1593fs, Q1372fs, Q1572fs, Q1616fs, Q1550fs, Q1560fs, Q1501fs.
Identifiers: ClinVar variation 1457412 (VCV001457412.6), dbSNP rs2151576756, ClinGen allele CA2573151951.
Genomic context (GRCh38, chr16:2,086,373, plus strand): 5'-GGAGGCCTGGACGTGTGTGGTGAGGACGGCCAGTTCACCTACTGCTGGCACGATGACATC[A>ATG]TGCAAGGTACGGCCTGGCGCCTACCCGCTCCTGCTGCCCCAGGCCTCAGGGCACGGCTCC-3'

ClinVar aggregate classification (germline): Pathogenic (1 of 4 stars; one submission).

Conditions:
Tuberous sclerosis 2 (TSC2). Identifiers: Orphanet 805, MedGen C1860707, MONDO:0013199, OMIM 613254.

Submission:

Labcorp Genetics (formerly Invitae), Labcorp
Classification: Pathogenic for Tuberous sclerosis 2. Last evaluated: 2021-11-09. Review status: criteria provided, single submitter. Criteria: Invitae Variant Classification Sherloc (09022015). Collection method: clinical testing. Allele origin: germline.
Comment: This variant has not been reported in the literature in individuals affected with TSC2-related conditions. For these reasons, this variant has been classified as Pathogenic. This variant is not present in population databases (gnomAD no frequency). This sequence change creates a premature translational stop signal (p.Gln1616Cysfs*10) in the TSC2 gene. It is expected to result in an absent or disrupted protein product. Loss-of-function variants in TSC2 are known to be pathogenic (PMID: 10205261, 17304050).

Literature cited by the submitters: PubMed 10205261; PubMed 17304050.